The following is an entry in ClinVar:

ClinVar aggregate classification (germline): Uncertain significance (1 of 4 stars; one submission).

Conditions:
Very long chain acyl-CoA dehydrogenase deficiency (ACADVLD). Also called: VLCAD Deficiency; Very Long-Chain Acyl-Coenzyme A Dehydrogenase Deficiency. Identifiers: Orphanet 26793, MedGen C3887523, MONDO:0008723, OMIM 201475.

Submission:

Labcorp Genetics (formerly Invitae), Labcorp
Classification: Uncertain significance for Very long chain acyl-CoA dehydrogenase deficiency. Last evaluated: 2019-01-18. Review status: criteria provided, single submitter. Criteria: Invitae Variant Classification Sherloc (09022015). Collection method: clinical testing. Allele origin: germline.
Comment: In summary, the available evidence is currently insufficient to determine the role of this variant in disease. Therefore, it has been classified as a Variant of Uncertain Significance. Algorithms developed to predict the effect of missense changes on protein structure and function are either unavailable or do not agree on the potential impact of this missense change (SIFT: "Deleterious"; PolyPhen-2: "Probably Damaging"; Align-GVGD: "Class C15"). This variant has not been reported in the literature in individuals with ACADVL-related conditions. This variant is not present in population databases (ExAC no frequency). This sequence change replaces phenylalanine with leucine at codon 330 of the ACADVL protein (p.Phe330Leu). The phenylalanine residue is highly conserved and there is a small physicochemical difference between phenylalanine and leucine.

NM_000018.4(ACADVL):c.990C>G (p.Phe330Leu)

Gene: ACADVL (acyl-CoA dehydrogenase very long chain; plus strand). Cytogenetic location: 17p13.1.
Variant type: single nucleotide variant.
Coding change: c.990C>G on transcript NM_000018.4 (MANE Select); coding-DNA position 990, C replaced by G.
Protein change: p.Phe330Leu; replaces phenylalanine 330 with leucine.
Molecular consequence: missense variant.
Genome position (GRCh38, 1-based): chr17:7,222,778, C>G. VCF-style: chr17-7222778-C-G. GRCh37 (hg19) VCF-style: chr17-7126097-C-G.
Other names: c.924C>G, p.Phe308Leu (NM_001033859.3); c.1059C>G, p.Phe353Leu (NM_001270447.2); c.762C>G, p.Phe254Leu (NM_001270448.2); short protein forms F254L, F353L, F308L, F330L.
Identifiers: ClinVar variation 851682 (VCV000851682.9), dbSNP rs2071292084, ClinGen allele CA397724115.